The following is an entry in ClinVar:

NM_021615.5(CHST6):c.944G>A (p.Arg315His)

Gene: CHST6 (carbohydrate sulfotransferase 6; minus strand). Cytogenetic location: 16q23.1.
Variant type: single nucleotide variant.
Coding change: c.944G>A on transcript NM_021615.5 (MANE Select); coding-DNA position 944, G replaced by A.
Protein change: p.Arg315His; replaces arginine 315 with histidine.
Molecular consequence: missense variant.
Genome position (GRCh38, 1-based): chr16:75,478,885, C>T on the plus strand (G>A on the coding strand, the complement: CHST6 is on the minus strand). VCF-style: chr16-75478885-C-T. GRCh37 (hg19) VCF-style: chr16-75512783-C-T.
Other names: short protein forms R315H.
Identifiers: ClinVar variation 1061897 (VCV001061897.6), dbSNP rs140618049, ClinGen allele CA8175346.
Genomic context (GRCh38, chr16:75,478,885, plus strand): 5'-TGGCGCCAGGCCTGGGAGACGTTGAGCGCATTCCTGGACGAAGTCTTGAAGGCTTCGCGG[C>T]GCGCACCAGGTCCAGATCCGTGGGTGATGTTATGGATCCAGGCCTCGAGCTGTGGCGTGA-3'
Protein context (NP_067628.1, residues 305-325): NITHGSGPGA[Arg315His]REAFKTSSRN

ClinVar aggregate classification (germline): Uncertain significance (1 of 4 stars; one submission).

Conditions:
Macular corneal dystrophy (MCD). Also called: Macular corneal dystrophy Type I; GROENOUW TYPE II CORNEAL DYSTROPHY. Identifiers: Orphanet 98969, MedGen C1636149, MONDO:0009020, OMIM 217800.

Allele frequency attached by ClinVar (database versions not stated): ExAC 0.00009; gnomAD 0.00031 and 0.00035; TOPMed 0.00038; ESP Exome Variant Server 0.00054.
gnomAD v4.1: 86 of 1,613,368 alleles (0.0053%); highest among the groups gnomAD compares: African/African-American, 0.11%; 1 homozygote.

Submission:

Labcorp Genetics (formerly Invitae), Labcorp
Classification: Uncertain significance for Macular corneal dystrophy. Last evaluated: 2022-06-13. Review status: criteria provided, single submitter. Criteria: Invitae Variant Classification Sherloc (09022015). Collection method: clinical testing. Allele origin: germline.
Comment: This sequence change replaces arginine, which is basic and polar, with histidine, which is basic and polar, at codon 315 of the CHST6 protein (p.Arg315His). This variant is present in population databases (rs140618049, gnomAD 0.1%). This variant has not been reported in the literature in individuals affected with CHST6-related conditions. ClinVar contains an entry for this variant (Variation ID: 1061897). Algorithms developed to predict the effect of missense changes on protein structure and function are either unavailable or do not agree on the potential impact of this missense change (SIFT: "Deleterious"; PolyPhen-2: "Benign"; Align-GVGD: "Class C0"). In summary, the available evidence is currently insufficient to determine the role of this variant in disease. Therefore, it has been classified as a Variant of Uncertain Significance.